The following is an entry in ClinVar:

ClinVar aggregate classification (germline): Uncertain significance (1 of 4 stars; one submission).

Conditions:
Ulnar-mammary syndrome (UMS). Also called: PALLISTER ULNAR-MAMMARY SYNDROME; Ulnar-mammary syndrome of Pallister; SCHINZEL SYNDROME. Identifiers: Orphanet 3138, MedGen C1866994, MONDO:0008411, OMIM 181450.

Submission:

Labcorp Genetics (formerly Invitae), Labcorp
Classification: Uncertain significance for Ulnar-mammary syndrome. Last evaluated: 2025-06-02. Review status: criteria provided, single submitter. Criteria: Invitae Variant Classification Sherloc (09022015). Collection method: clinical testing. Allele origin: germline.
Comment: This sequence change replaces glycine, which is neutral and non-polar, with arginine, which is basic and polar, at codon 549 of the TBX3 protein (p.Gly549Arg). This variant is not present in population databases (gnomAD no frequency). This variant has not been reported in the literature in individuals affected with TBX3-related conditions. ClinVar contains an entry for this variant (Variation ID: 2821994). An algorithm developed to predict the effect of missense changes on protein structure and function (PolyPhen-2) suggests that this variant is likely to be disruptive. In summary, the available evidence is currently insufficient to determine the role of this variant in disease. Therefore, it has been classified as a Variant of Uncertain Significance.

NM_005996.4(TBX3):c.1645G>A (p.Gly549Arg)

Gene: TBX3 (T-box transcription factor 3; minus strand). Cytogenetic location: 12q24.21.
Variant type: single nucleotide variant.
Coding change: c.1645G>A on transcript NM_005996.4 (MANE Select); coding-DNA position 1645, G replaced by A.
Protein change: p.Gly549Arg; replaces glycine 549 with arginine.
Molecular consequence: missense variant.
Genome position (GRCh38, 1-based): chr12:114,674,230, C>T on the plus strand (G>A on the coding strand, the complement: TBX3 is on the minus strand). VCF-style: chr12-114674230-C-T. GRCh37 (hg19) VCF-style: chr12-115112035-C-T.
Other names: c.1705G>A, p.Gly569Arg (NM_016569.4); short protein forms G569R, G549R.
Identifiers: ClinVar variation 2821994 (VCV002821994.3), dbSNP rs1868587983, ClinGen allele CA386868519.